The following is an entry in ClinVar:

ClinVar aggregate classification (germline): Uncertain significance (1 of 4 stars; one submission).

Conditions:
Skraban-Deardorff syndrome. Also called: INTELLECTUAL DISABILITY WITH SEIZURES, ABNORMAL GAIT, AND DISTINCTIVE FACIAL FEATURES; WDR26-Related Intellectual Disability. Identifiers: Orphanet 513456, MedGen C4539927, MONDO:0054636, OMIM 617616.

Submission:

3billion
Classification: Uncertain significance for Skraban-Deardorff syndrome. Last evaluated: 2025-01-21. Review status: criteria provided, single submitter. Criteria: ACMG Guidelines, 2015. Collection method: clinical testing. Allele origin: germline. Affected: yes.
Comment: The variant is not observed in the gnomAD v4.1.0 dataset. Predicted Consequence/Location: Missense variant In silico tool predictions suggest damaging effect of the variant on gene or gene product [3Cnet: 0.71 (>=0.6, sensitivity 0.72 and precision 0.9)]. Therefore, this variant is classified as VUS according to the recommendation of ACMG/AMP guideline.

NM_001379403.1(WDR26):c.1292C>G (p.Ser431Cys)

Gene: WDR26 (WD repeat domain 26; minus strand). Cytogenetic location: 1q42.12.
Variant type: single nucleotide variant.
Coding change: c.1292C>G on transcript NM_001379403.1 (MANE Select); coding-DNA position 1292, C replaced by G.
Protein change: p.Ser431Cys; replaces serine 431 with cysteine.
Molecular consequence: missense variant.
Genome position (GRCh38, 1-based): chr1:224,418,287, G>C on the plus strand (C>G on the coding strand, the complement: WDR26 is on the minus strand). VCF-style: chr1-224418287-G-C. GRCh37 (hg19) VCF-style: chr1-224605989-G-C.
Other names: c.992C>G, p.Ser331Cys (NM_025160.7); c.944C>G, p.Ser315Cys (NM_001115113.3); short protein forms S315C, S331C, S431C.
Identifiers: ClinVar variation 4292909 (VCV004292909.1).
Genomic context (GRCh38, chr1:224,418,287, plus strand): 5'-GCTGTTTCAGAATATAGGAAGTTTTCCTCTTACCTACTACAAACATGGTCTATAAGCAGA[G>C]ACACAGAATCTAGATTATTATCAAGTTTGGTATTGTGATATAGGCACCGATCCCTTTGTA-3'
Protein context (NP_001366332.1, residues 421-441): TKLDNNLDSV[Ser431Cys]LLIDHVCSRR